The following is an entry in ClinVar:

ClinVar aggregate classification (germline): Uncertain significance (1 of 4 stars; one submission).

Conditions:
Hereditary cancer-predisposing syndrome. Also called: Neoplastic Syndromes, Hereditary; Tumor predisposition; Hereditary Cancer Syndrome; Hereditary neoplastic syndrome. Identifiers: Orphanet 140162, MedGen C0027672, MeSH D009386, MONDO:0015356.

Submission:

Ambry Genetics
Classification: Uncertain significance for Hereditary cancer-predisposing syndrome. Last evaluated: 2015-09-18. Review status: criteria provided, single submitter. Criteria: Ambry Variant Classification Scheme 2023. Collection method: clinical testing. Allele origin: germline.
Comment: The c.2035_2036delGA variant, located in coding exon 16 of the POLD1 gene, results from a deletion of two nucleotides at positions 2035 and 2036, causing a translational frameshift with a predicted alternate stop codon. This variant was not reported in population based cohorts in the following databases: Database of Single Nucleotide Polymorphisms (dbSNP), NHLBI Exome Sequencing Project (ESP), and 1000 Genomes Project. In the ESP, this variant was not observed in 6503 samples (13006 alleles) with coverage at this position. As neither this specific alteration nor loss of function as a mechanism of pathogenicity have been well-described in the POLD1 gene, the clinical significance of this variant remains unknown (ACMG Standards and guidelines for the interpretation of sequence variants. Genet Med. 2015 May;17(5):405-23).

NM_002691.4(POLD1):c.2035_2036del (p.Asp679fs)

Gene: POLD1 (DNA polymerase delta 1, catalytic subunit; plus strand). Cytogenetic location: 19q13.33.
Variant type: Deletion.
Coding change: c.2035_2036del on transcript NM_002691.4 (MANE Select); coding-DNA positions 2035 to 2036, 2 bases deleted (GA; older notation c.2035_2036delGA).
Protein change: p.Asp679fs; shifts the reading frame from aspartic acid 679.
Molecular consequence: frameshift variant. On other transcripts: non-coding transcript variant (1).
Genome position (GRCh38, 1-based): chr19:50,409,547-50,409,548, GA deleted; deleting any 2 consecutive bases within chr19:50,409,546-50,409,548 gives the same sequence; the c. name uses the placement nearest the transcript's 3' end. VCF-style (leftmost placement, unchanged base first): chr19-50409545-CAG-C. GRCh37 (hg19) VCF-style: chr19-50912802-CAG-C.
Other names: c.2035_2036del, p.Asp679fs (NM_001256849.1); c.2113_2114del, p.Asp705fs (NM_001308632.1); short protein forms D679fs, D705fs.
Identifiers: ClinVar variation 1784803 (VCV001784803.2), dbSNP rs2514018691, ClinGen allele CA2580097689.